The following is an entry in ClinVar:

ClinVar aggregate classification (germline): Uncertain significance. Review status: criteria provided, multiple submitters, no conflicts (2 of 4 stars). 3 submissions from 3 submitters: Uncertain significance (3). Last evaluated 2024-10-08.

Conditions:
Retinitis pigmentosa (RP). Identifiers: Orphanet 791, MedGen C0035334, MeSH D012174, MONDO:0019200, OMIM 268000. Inheritance: Autosomal dominant, autosomal recessive and X linked inheritance.

Allele frequency attached by ClinVar (database versions not stated): ExAC 0.00003; gnomAD exomes 0.00003 and 0.00006; TOPMed 0.00004; gnomAD 0.00006; 1000 Genomes Project 30x 0.00016; 1000 Genomes Project 0.00020.
gnomAD v4.1: 98 of 1,613,698 alleles (0.0061%); highest among the groups gnomAD compares: Non-Finnish European, 0.0075%; no homozygotes.

Submissions (3):

Blueprint Genetics
Classification: Uncertain significance. Last evaluated: 2024-10-08. Review status: criteria provided, single submitter. Criteria: ACMG Guidelines, 2015. Collection method: clinical testing. Allele origin: germline.

Labcorp Genetics (formerly Invitae), Labcorp
Classification: Uncertain significance. Last evaluated: 2022-07-06. Review status: criteria provided, single submitter. Criteria: Invitae Variant Classification Sherloc (09022015). Collection method: clinical testing. Allele origin: germline.
Comment: This sequence change falls in intron 1 of the PRCD gene. It does not directly change the encoded amino acid sequence of the PRCD protein. It affects a nucleotide within the consensus splice site. This variant is present in population databases (rs200091367, gnomAD 0.01%). This variant has not been reported in the literature in individuals affected with PRCD-related conditions. ClinVar contains an entry for this variant (Variation ID: 325474). Variants that disrupt the consensus splice site are a relatively common cause of aberrant splicing (PMID: 17576681, 9536098). Algorithms developed to predict the effect of sequence changes on RNA splicing suggest that this variant may disrupt the consensus splice site. In summary, the available evidence is currently insufficient to determine the role of this variant in disease. Therefore, it has been classified as a Variant of Uncertain Significance.

Illumina Laboratory Services, Illumina
Classification: Uncertain significance for Retinitis pigmentosa. Last evaluated: 2018-01-13. Review status: criteria provided, single submitter. Criteria: ICSL Variant Classification Criteria 13 December 2019. Collection method: clinical testing. Allele origin: germline.

Literature cited by the submitters: PubMed 17576681 (cited by Labcorp Genetics (formerly Invitae), Labcorp); PubMed 9536098 (cited by Labcorp Genetics (formerly Invitae), Labcorp).

NM_001077620.3(PRCD):c.75-3C>G

Genes: CYGB (cytoglobin; minus strand), PRCD (photoreceptor disc component; plus strand). Cytogenetic location: 17q25.1.
Variant type: single nucleotide variant.
Coding change: c.75-3C>G on transcript NM_001077620.3 (MANE Select); 3 bases into the intron before coding-DNA position 75, C replaced by G.
Molecular consequence: intron variant.
Genome position (GRCh38, 1-based): chr17:76,540,502, C>G. VCF-style: chr17-76540502-C-G. GRCh37 (hg19) VCF-style: chr17-74536584-C-G.
Identifiers: ClinVar variation 325474 (VCV000325474.9), dbSNP rs200091367, ClinGen allele CA8787904.